The following is an entry in ClinVar:

ClinVar aggregate classification (germline): Uncertain significance. Review status: criteria provided, multiple submitters, no conflicts (2 of 4 stars). 3 submissions from 3 submitters: Uncertain significance (3). Last evaluated 2026-02-18.

Conditions:
DST-related disorder. Also called: DST-related condition; DST-related disorders.
Hereditary sensory and autonomic neuropathy type 6. Also called: Neuropathy, hereditary sensory and autonomic, type VI; HSAN VI. Identifiers: Orphanet 314381, MedGen C3539003, MONDO:0013839, OMIM 614653.
Epidermolysis bullosa simplex 3, localized or generalized intermediate, with BP230 deficiency (EBS3). Also called: Epidermolysis bullosa simplex, autosomal recessive 2; Epidermolysis bullosa simplex due to BP230 deficiency. Identifiers: Orphanet 412181, MedGen C3809470, MONDO:0014180, OMIM 615425.

Allele frequency attached by ClinVar (database versions not stated): gnomAD 0.00001; gnomAD exomes 0.00001; TOPMed 0.00002.
gnomAD v4.1: 5 of 1,613,798 alleles (0.00031%); highest among the groups gnomAD compares: African/African-American, 0.0013%; no homozygotes.

Submissions (3):

PreventionGenetics, part of Exact Sciences
Classification: Uncertain significance for DST-related condition. Last evaluated: 2026-02-18. Review status: criteria provided, single submitter. Criteria: ACMG Guidelines, 2015. Collection method: clinical testing. Allele origin: germline.
Comment: The DST c.4403A>G variant is predicted to result in the amino acid substitution p.Asn1468Ser. To our knowledge, this variant has not been reported in the literature. This variant is reported in 0.0062% of alleles in individuals of African descent in gnomAD. At this time, the clinical significance of this variant is uncertain due to the absence of conclusive functional and genetic evidence.

GeneDx
Classification: Uncertain significance. Last evaluated: 2025-07-31. Review status: criteria provided, single submitter. Criteria: GeneDx Variant Classification Process June 2021. Collection method: clinical testing. Allele origin: germline. Affected: yes.
Comment: In silico analysis suggests that this missense variant does not alter protein structure/function; Has not been previously published as pathogenic or benign to our knowledge; Reported using the transcript encoding the epithelial isoform of the gene

Labcorp Genetics (formerly Invitae), Labcorp
Classification: Uncertain significance for Epidermolysis bullosa simplex 3, localized or generalized intermediate, with BP230 deficiency; Hereditary sensory and autonomic neuropathy type 6. Last evaluated: 2022-03-23. Review status: criteria provided, single submitter. Criteria: Invitae Variant Classification Sherloc (09022015). Collection method: clinical testing. Allele origin: germline.
Comment: ClinVar contains an entry for this variant (Variation ID: 1004624). This variant has not been reported in the literature in individuals affected with DST-related conditions. This variant is present in population databases (no rsID available, gnomAD 0.007%). This sequence change replaces asparagine, which is neutral and polar, with serine, which is neutral and polar, at codon 1468 of the DST protein (p.Asn1468Ser). Algorithms developed to predict the effect of missense changes on protein structure and function (SIFT, PolyPhen-2, Align-GVGD) all suggest that this variant is likely to be tolerated. In summary, the available evidence is currently insufficient to determine the role of this variant in disease. Therefore, it has been classified as a Variant of Uncertain Significance.

NM_001723.7(DST):c.4403A>G (p.Asn1468Ser)

Gene: DST (dystonin; minus strand). Cytogenetic location: 6p12.1.
Variant type: single nucleotide variant.
Coding change: c.4403A>G on transcript NM_001723.7 (MANE Plus Clinical); coding-DNA position 4403, A replaced by G.
Protein change: p.Asn1468Ser; replaces asparagine 1468 with serine.
Molecular consequence: missense variant. On other transcripts: intron variant (10).
Genome position (GRCh38, 1-based): chr6:56,619,631, T>C on the plus strand (A>G on the coding strand, the complement: DST is on the minus strand). VCF-style: chr6-56619631-T-C. GRCh37 (hg19) VCF-style: chr6-56484429-T-C.
Other names: c.4830+4899A>G (NM_001144769.5); c.4929+4899A>G (NM_001374722.1, NM_001374736.1); c.4956+4899A>G (NM_001374734.1); c.4416+4899A>G (NM_001144770.2); c.4296+4899A>G (NM_001374730.1, NM_001386100.1, NM_183380.4 and 1 more transcripts); c.3318+4899A>G (NM_015548.5); c.4403A>G (NM_001723.5); short protein forms N1468S.
Identifiers: ClinVar variation 1004624 (VCV001004624.9), dbSNP rs1230214175, ClinGen allele CA364569762.